The following is an entry in ClinVar:

ClinVar aggregate classification (germline): Benign (0 of 4 stars; one submission).

Conditions:
DNAH17-related disorder. Also called: DNAH17-related condition.

Allele frequency attached by ClinVar (database versions not stated): gnomAD exomes 0.00059; ExAC 0.00161; ESP Exome Variant Server 0.00499; gnomAD 0.00499; TOPMed 0.00557; 1000 Genomes Project 30x 0.00734; 1000 Genomes Project 0.00779.
gnomAD v4.1: 1,644 of 1,613,926 alleles (0.1%); highest among the groups gnomAD compares: African/African-American, 1.8%; 14 homozygotes.

Submission:

PreventionGenetics, part of Exact Sciences
Classification: Benign for DNAH17-related condition. Last evaluated: 2019-06-11. Review status: no assertion criteria provided. Collection method: clinical testing. Allele origin: germline.
Comment: This variant is classified as benign based on ACMG/AMP sequence variant interpretation guidelines (Richards et al. 2015 PMID: 25741868, with internal and published modifications).

NM_173628.4(DNAH17):c.3414C>T (p.Ala1138=)

Gene: DNAH17 (dynein axonemal heavy chain 17; minus strand). Cytogenetic location: 17q25.3.
Variant type: single nucleotide variant.
Coding change: c.3414C>T on transcript NM_173628.4 (MANE Select); coding-DNA position 3414, C replaced by T.
Protein change: p.Ala1138=; no amino-acid change (alanine 1138 retained).
Molecular consequence: synonymous variant.
Genome position (GRCh38, 1-based): chr17:78,529,565, G>A on the plus strand (C>T on the coding strand, the complement: DNAH17 is on the minus strand). VCF-style: chr17-78529565-G-A. GRCh37 (hg19) VCF-style: chr17-76525647-G-A.
Identifiers: ClinVar variation 3033749 (VCV003033749.2), dbSNP rs114409321, ClinGen allele CA8804219.